The following is an entry in ClinVar:

NM_000117.3(EMD):c.144C>T (p.Leu48=)

Gene: EMD (emerin; plus strand). Cytogenetic location: Xq28.
Variant type: single nucleotide variant.
Coding change: c.144C>T on transcript NM_000117.3 (MANE Select); coding-DNA position 144, C replaced by T.
Protein change: p.Leu48=; no amino-acid change (leucine 48 retained).
Molecular consequence: synonymous variant.
Genome position (GRCh38, 1-based): chrX:154,379,751, C>T. VCF-style: chrX-154379751-C-T. GRCh37 (hg19) VCF-style: chrX-153608111-C-T.
Other names: p.L48L:CTC>CTT; p.Leu48=.
Identifiers: ClinVar variation 42271 (VCV000042271.39), dbSNP rs200537612, ClinGen allele CA131115.
Genomic context (GRCh38, chrX:154,379,751, plus strand): 5'-ATCAACTCGTAGGCTTTACGAGAAGAAGATCTTCGAGTACGAGACCCAGAGGCGGCGGCT[C>T]TCGCCCCCCAGCTCGTCCGCCGCCTCCTCTTATAGCTTCTCTGGTGAGAGCCTCGCCTGT-3'
Protein context (NP_000108.1, residues 38-58): IFEYETQRRR[Leu48=]SPPSSSAASS

ClinVar aggregate classification (germline): Conflicting classifications of pathogenicity. Review status: criteria provided, conflicting classifications (1 of 4 stars). 14 submissions from 14 submitters: Uncertain significance (1); Benign (7); Likely benign (3). 3 of the submissions do not count toward it. Last evaluated 2026-02-02.

Conditions:
EMD-related disorder. Also called: EMD-related condition.
Cardiovascular phenotype. Identifiers: MedGen CN230736.
Cardiomyopathy (CMYO). Also called: Cardiomyopathies. Identifiers: Orphanet 167848, MedGen C0878544, MONDO:0004994, HP:0001638. Inheritance: Various modes of inheritance.
X-linked Emery-Dreifuss muscular dystrophy. Also called: Muscular dystrophy, tardive Emery-Dreifuss type, with contractures. Identifiers: Orphanet 261, Orphanet 98863, MedGen C0751337, MONDO:0010680.

Allele frequency attached by ClinVar (database versions not stated): gnomAD exomes 0.00081; ExAC 0.00099; 1000 Genomes Project 0.00212; 1000 Genomes Project 30x 0.00250; gnomAD 0.00298 and 0.00315; ESP Exome Variant Server 0.00339; TOPMed 0.00362.

Submissions (14):

Labcorp Genetics (formerly Invitae), Labcorp
Classification: Benign for X-linked Emery-Dreifuss muscular dystrophy. Last evaluated: 2026-02-02. Review status: criteria provided, single submitter. Criteria: Invitae Variant Classification Sherloc (09022015). Collection method: clinical testing. Allele origin: germline.

Molecular Diagnostic Laboratory for Inherited Cardiovascular Disease, Montreal Heart Institute
Classification: Benign. Last evaluated: 2025-04-09. Review status: criteria provided, single submitter. Criteria: ACMG Guidelines, 2015. Collection method: clinical testing. Allele origin: germline. Affected: no.

Mayo Clinic Laboratories, Mayo Clinic
Classification: Benign. Last evaluated: 2025-02-03. Review status: criteria provided, single submitter. Criteria: ACMG Guidelines, 2015. Collection method: clinical testing. Allele origin: germline. Observed: 4 variant alleles.
Comment: BS1, BS2, BP4, BP7

Blueprint Genetics
Classification: Likely benign. Last evaluated: 2024-11-25. Review status: criteria provided, single submitter. Criteria: ACMG Guidelines, 2015. Collection method: clinical testing. Allele origin: germline.

ARUP Laboratories, Molecular Genetics and Genomics, ARUP Laboratories
Classification: Benign for Emery-Dreifuss muscular dystrophy 1, X-linked. Last evaluated: 2021-05-22. Review status: criteria provided, single submitter. Criteria: ARUP Molecular Germline Variant Investigation Process 2021. Collection method: clinical testing. Allele origin: germline.

Women's Health and Genetics/Laboratory Corporation of America, LabCorp
Classification: Likely benign. Last evaluated: 2019-06-24. Review status: criteria provided, single submitter. Criteria: LabCorp Variant Classification Summary - May 2015. Collection method: clinical testing. Allele origin: germline.

Ambry Genetics
Classification: Likely benign for Cardiovascular phenotype. Last evaluated: 2016-01-11. Review status: criteria provided, single submitter. Criteria: Ambry Variant Classification Scheme 2023. Collection method: clinical testing. Allele origin: germline.

CHEO Genetics Diagnostic Laboratory, Children's Hospital of Eastern Ontario
Classification: Uncertain significance for Cardiomyopathy. Last evaluated: 2015-09-23. Review status: criteria provided, single submitter. Criteria: ACMG Guidelines, 2015. Collection method: clinical testing. Allele origin: germline. Study: Canadian Open Genetics Repository.

Laboratory for Molecular Medicine, Mass General Brigham Personalized Medicine
Classification: Benign. Last evaluated: 2015-03-13. Review status: criteria provided, single submitter. Criteria: LMM Criteria. Collection method: clinical testing. Allele origin: germline. Observed: 5 variant alleles.
Comment: p.Leu48Leu in exon 2 of EMD: This variant is not expected to have clinical sign ificance because it has been identified in 1.2% (76/6464) of African chromosomes by the Exome Aggregation Consortium (ExAC; dbSN P rs200537612).

Eurofins Ntd Llc (ga)
Classification: Benign. Last evaluated: 2014-09-03. Review status: criteria provided, single submitter. Criteria: EGL Classification Definitions 2015. Collection method: clinical testing. Allele origin: germline. Observed: 1 variant allele, 1 heterozygote.

GeneDx
Classification: Benign. Last evaluated: 2013-04-30. Review status: criteria provided, single submitter. Criteria: GeneDx Variant Classification (06012015). Collection method: clinical testing. Allele origin: germline. Affected: yes.
Comment: This variant is considered likely benign or benign based on one or more of the following criteria: it is a conservative change, it occurs at a poorly conserved position in the protein, it is predicted to be benign by multiple in silico algorithms, and/or has population frequency not consistent with disease.

PreventionGenetics, part of Exact Sciences
Classification: Benign for EMD-related condition. Last evaluated: 2019-07-19. Review status: no assertion criteria provided. Collection method: clinical testing. Allele origin: germline. Not counted in ClinVar's aggregate classification.
Comment: This variant is classified as benign based on ACMG/AMP sequence variant interpretation guidelines (Richards et al. 2015 PMID: 25741868, with internal and published modifications).

Clinical Genetics DNA and cytogenetics Diagnostics Lab, Erasmus MC, Erasmus Medical Center
Classification: Benign. Review status: no assertion criteria provided. Collection method: clinical testing. Allele origin: germline. Affected: yes. Study: VKGL Data-share Consensus. Not counted in ClinVar's aggregate classification.

Clinical Genetics, Academic Medical Center
Classification: Benign. Review status: no assertion criteria provided. Collection method: clinical testing. Allele origin: germline. Affected: yes. Study: VKGL Data-share Consensus. Not counted in ClinVar's aggregate classification.

Literature cited by the submitters: PubMed 20474083 (cited by Mayo Clinic Laboratories, Mayo Clinic and Women's Health and Genetics/Laboratory Corporation of America, LabCorp).